The following is an entry in ClinVar:

ClinVar aggregate classification (germline): Uncertain significance (1 of 4 stars; one submission).

Conditions:
Hereditary diffuse gastric adenocarcinoma (HDGC). Also called: DIFFUSE GASTRIC AND LOBULAR BREAST CANCER SYNDROME. Identifiers: Orphanet 26106, MedGen C1708349, MONDO:0007648, OMIM 137215.

Submission:

Labcorp Genetics (formerly Invitae), Labcorp
Classification: Uncertain significance for Hereditary diffuse gastric adenocarcinoma. Last evaluated: 2024-04-29. Review status: criteria provided, single submitter. Criteria: Invitae Variant Classification Sherloc (09022015). Collection method: clinical testing. Allele origin: germline.
Comment: This sequence change replaces serine, which is neutral and polar, with threonine, which is neutral and polar, at codon 635 of the CDH1 protein (p.Ser635Thr). This variant is not present in population databases (gnomAD no frequency). This variant has not been reported in the literature in individuals affected with CDH1-related conditions. An algorithm developed to predict the effect of missense changes on protein structure and function (PolyPhen-2) suggests that this variant is likely to be tolerated. In summary, the available evidence is currently insufficient to determine the role of this variant in disease. Therefore, it has been classified as a Variant of Uncertain Significance.

NM_004360.5(CDH1):c.1904G>C (p.Ser635Thr)

Gene: CDH1 (cadherin 1; plus strand). Cytogenetic location: 16q22.1.
Variant type: single nucleotide variant.
Coding change: c.1904G>C on transcript NM_004360.5 (MANE Select); coding-DNA position 1904, G replaced by C.
Protein change: p.Ser635Thr; replaces serine 635 with threonine.
Molecular consequence: missense variant. On other transcripts: 5 prime UTR variant (1).
Genome position (GRCh38, 1-based): chr16:68,822,193, G>C. VCF-style: chr16-68822193-G-C. GRCh37 (hg19) VCF-style: chr16-68856096-G-C.
Other names: c.1721G>C, p.Ser574Thr (NM_001317184.2); c.356G>C, p.Ser119Thr (NM_001317185.2); c.-62G>C (NM_001317186.2); short protein forms S119T, S574T, S635T.
Identifiers: ClinVar variation 3611004 (VCV003611004.2).